The following is an entry in ClinVar:

NM_213653.4(HJV):c.382C>T (p.Pro128Ser)

Gene: HJV (hemojuvelin BMP co-receptor; minus strand). Cytogenetic location: 1q21.1.
Variant type: single nucleotide variant.
Coding change: c.382C>T on transcript NM_213653.4 (MANE Select); coding-DNA position 382, C replaced by T.
Protein change: p.Pro128Ser; replaces proline 128 with serine.
Molecular consequence: missense variant. On other transcripts: intron variant (3).
Genome position (GRCh38, 1-based): chr1:146,019,450, G>A on the plus strand (C>T on the coding strand, the complement: HJV is on the minus strand). VCF-style: chr1-146019450-G-A. GRCh37 (hg19) VCF-style: chr1-145415563-C-T.
Other names: c.382C>T, p.Pro128Ser (NM_001379352.1); c.43C>T, p.Pro15Ser (NM_145277.5); c.-21-750C>T (NM_213652.4); c.-22+248C>T (NM_202004.4, NM_001316767.2); short protein forms P15S, P128S.
Identifiers: ClinVar variation 1404996 (VCV001404996.5), dbSNP rs996891342, ClinGen allele CA29824944.

ClinVar aggregate classification (germline): Uncertain significance (1 of 4 stars; one submission).

Allele frequency attached by ClinVar (database versions not stated): TOPMed below 0.00001; gnomAD exomes 0.00001.
gnomAD v4.1: 8 of 1,612,556 alleles (0.0005%); highest among the groups gnomAD compares: South Asian, 0.0011%; no homozygotes.

Submission:

Labcorp Genetics (formerly Invitae), Labcorp
Classification: Uncertain significance. Last evaluated: 2021-09-02. Review status: criteria provided, single submitter. Criteria: Invitae Variant Classification Sherloc (09022015). Collection method: clinical testing. Allele origin: germline.
Comment: This sequence change replaces proline with serine at codon 128 of the HJV protein (p.Pro128Ser). The proline residue is highly conserved and there is a moderate physicochemical difference between proline and serine. This variant is not present in population databases (ExAC no frequency). This variant has not been reported in the literature in individuals affected with HJV-related conditions. Algorithms developed to predict the effect of missense changes on protein structure and function (SIFT, PolyPhen-2, Align-GVGD) all suggest that this variant is likely to be disruptive. In summary, the available evidence is currently insufficient to determine the role of this variant in disease. Therefore, it has been classified as a Variant of Uncertain Significance.